The following is an entry in ClinVar:

ClinVar aggregate classification (germline): Uncertain significance (1 of 4 stars; one submission).

gnomAD v4.1: 2 of 1,209,037 alleles (0.00017%); highest among the groups gnomAD compares: Admixed American, 0.0022%; no homozygotes.

Submission:

Labcorp Genetics (formerly Invitae), Labcorp
Classification: Uncertain significance. Last evaluated: 2024-02-01. Review status: criteria provided, single submitter. Criteria: Invitae Variant Classification Sherloc (09022015). Collection method: clinical testing. Allele origin: germline.
Comment: This sequence change replaces alanine, which is neutral and non-polar, with glycine, which is neutral and non-polar, at codon 591 of the ABCB7 protein (p.Ala591Gly). This variant is present in population databases (no rsID available, gnomAD 0.004%). This variant has not been reported in the literature in individuals affected with ABCB7-related conditions. An algorithm developed to predict the effect of missense changes on protein structure and function (PolyPhen-2) suggests that this variant is likely to be tolerated. In summary, the available evidence is currently insufficient to determine the role of this variant in disease. Therefore, it has been classified as a Variant of Uncertain Significance.

NM_001271696.3(ABCB7):c.1769C>G (p.Ala590Gly)

Gene: ABCB7 (ATP binding cassette subfamily B member 7; minus strand). Cytogenetic location: Xq13.3.
Variant type: single nucleotide variant.
Coding change: c.1769C>G on transcript NM_001271696.3 (MANE Select); coding-DNA position 1769, C replaced by G.
Protein change: p.Ala590Gly; replaces alanine 590 with glycine.
Molecular consequence: missense variant.
Genome position (GRCh38, 1-based): chrX:75,065,132, G>C on the plus strand (C>G on the coding strand, the complement: ABCB7 is on the minus strand). VCF-style: chrX-75065132-G-C. GRCh37 (hg19) VCF-style: chrX-74284967-G-C.
Other names: c.1649C>G, p.Ala550Gly (NM_001271697.3); c.1691C>G, p.Ala564Gly (NM_001271698.3); c.1652C>G, p.Ala551Gly (NM_001271699.3); c.1772C>G, p.Ala591Gly (NM_004299.6); short protein forms A551G, A550G, A564G, A590G, A591G.
Identifiers: ClinVar variation 3679609 (VCV003679609.2).
Genomic context (GRCh38, chrX:75,065,132, plus strand): 5'-GAAAGCTTGAGTCCTCGTTCCCCTACTTGGGTGTCATATCCATGTGGCATTCGAAGAATT[G>C]CATCATGAAGTCCAGCTAATTTTGCCACTGCATACACTTCCTCAGGTGAAGCACTGATGT-3'
Protein context (NP_001258625.1, residues 580-600): AVAKLAGLHD[Ala590Gly]ILRMPHGYDT